The following is an entry in ClinVar:

NM_001614.5(ACTG1):c.971C>T (p.Thr324Ile)

Gene: ACTG1 (actin gamma 1; minus strand). Cytogenetic location: 17q25.3.
Variant type: single nucleotide variant.
Coding change: c.971C>T on transcript NM_001614.5 (MANE Select); coding-DNA position 971, C replaced by T.
Protein change: p.Thr324Ile; replaces threonine 324 with isoleucine.
Molecular consequence: missense variant. On other transcripts: non-coding transcript variant (1).
Genome position (GRCh38, 1-based): chr17:81,510,940, G>A on the plus strand (C>T on the coding strand, the complement: ACTG1 is on the minus strand). VCF-style: chr17-81510940-G-A. GRCh37 (hg19) VCF-style: chr17-79477966-G-A.
Other names: c.971C>T, p.Thr324Ile (NM_001199954.3); short protein forms T324I.
Identifiers: ClinVar variation 3751949 (VCV003751949.2).

ClinVar aggregate classification (germline): Uncertain significance (1 of 4 stars; one submission).

Conditions:
Autosomal dominant nonsyndromic hearing loss 20. Identifiers: Orphanet 90635, MedGen C1858172, MONDO:0011480, OMIM 604717.
Baraitser-winter syndrome 2. Identifiers: Orphanet 2995, MedGen C3281235, MONDO:0013812, OMIM 614583.

Submission:

Labcorp Genetics (formerly Invitae), Labcorp
Classification: Uncertain significance for Baraitser-winter syndrome 2; Autosomal dominant nonsyndromic hearing loss 20. Last evaluated: 2025-08-04. Review status: criteria provided, single submitter. Criteria: Invitae Variant Classification Sherloc (09022015). Collection method: clinical testing. Allele origin: germline.
Comment: This sequence change replaces threonine, which is neutral and polar, with isoleucine, which is neutral and non-polar, at codon 324 of the ACTG1 protein (p.Thr324Ile). This variant is not present in population databases (gnomAD no frequency). This variant has not been reported in the literature in individuals affected with ACTG1-related conditions. ClinVar contains an entry for this variant (Variation ID: 3751949). Invitae Evidence Modeling of protein sequence and biophysical properties (such as structural, functional, and spatial information, amino acid conservation, physicochemical variation, residue mobility, and thermodynamic stability) indicates that this missense variant is not expected to disrupt ACTG1 protein function with a negative predictive value of 80%. In summary, the available evidence is currently insufficient to determine the role of this variant in disease. Therefore, it has been classified as a Variant of Uncertain Significance.